The following is an entry in ClinVar:

NM_006231.4(POLE):c.5946T>G (p.Ile1982Met)

Gene: POLE (DNA polymerase epsilon, catalytic subunit; minus strand). Cytogenetic location: 12q24.33.
Variant type: single nucleotide variant.
Coding change: c.5946T>G on transcript NM_006231.4 (MANE Select); coding-DNA position 5946, T replaced by G.
Protein change: p.Ile1982Met; replaces isoleucine 1982 with methionine.
Molecular consequence: missense variant.
Genome position (GRCh38, 1-based): chr12:132,634,244, A>C on the plus strand (T>G on the coding strand, the complement: POLE is on the minus strand). VCF-style: chr12-132634244-A-C. GRCh37 (hg19) VCF-style: chr12-133210830-A-C.
Other names: short protein forms I1982M.
Identifiers: ClinVar variation 2859345 (VCV002859345.3), dbSNP rs2541859742, ClinGen allele CA387371531.

ClinVar aggregate classification (germline): Uncertain significance (1 of 4 stars; one submission).

Submission:

Labcorp Genetics (formerly Invitae), Labcorp
Classification: Uncertain significance. Last evaluated: 2023-04-26. Review status: criteria provided, single submitter. Criteria: Invitae Variant Classification Sherloc (09022015). Collection method: clinical testing. Allele origin: germline.
Comment: This sequence change replaces isoleucine, which is neutral and non-polar, with methionine, which is neutral and non-polar, at codon 1982 of the POLE protein (p.Ile1982Met). This variant is not present in population databases (gnomAD no frequency). This variant has not been reported in the literature in individuals affected with POLE-related conditions. Advanced modeling of protein sequence and biophysical properties (such as structural, functional, and spatial information, amino acid conservation, physicochemical variation, residue mobility, and thermodynamic stability) performed at Invitae indicates that this missense variant is not expected to disrupt POLE protein function. In summary, the available evidence is currently insufficient to determine the role of this variant in disease. Therefore, it has been classified as a Variant of Uncertain Significance.